The following is an entry in ClinVar:

ClinVar aggregate classification (germline): Uncertain significance. Review status: criteria provided, multiple submitters, no conflicts (2 of 4 stars). 2 submissions from 2 submitters: Uncertain significance (2). Last evaluated 2026-03-18.

Conditions:
Neurofibromatosis, type 1 (NF1). Also called: NEUROFIBROMATOSIS, TYPE I, SOMATIC; Peripheral type neurofibromatosis; VON RECKLINGHAUSEN DISEASE; Neurofibromatosis, type I. Identifiers: Orphanet 636, MedGen C0027831, MONDO:0018975, OMIM 162200. Disease mechanism: loss of function.
Hereditary cancer-predisposing syndrome. Also called: Hereditary neoplastic syndrome; Neoplastic Syndromes, Hereditary; Tumor predisposition; Hereditary Cancer Syndrome. Identifiers: Orphanet 140162, MedGen C0027672, MeSH D009386, MONDO:0015356.
Cardiovascular phenotype. Identifiers: MedGen CN230736.

Submissions (2):

Ambry Genetics
Classification: Uncertain significance for Cardiovascular phenotype; Hereditary cancer-predisposing syndrome. Last evaluated: 2026-03-18. Review status: criteria provided, single submitter. Criteria: Ambry Variant Classification Scheme 2023. Collection method: clinical testing. Allele origin: germline.
Comment: The p.V432L variant (also known as c.1294G>C), located in coding exon 12 of the NF1 gene, results from a G to C substitution at nucleotide position 1294. The valine at codon 432 is replaced by leucine, an amino acid with highly similar properties. This amino acid position is highly conserved in available vertebrate species. In addition, this alteration is predicted to be tolerated by in silico analysis. Based on the available evidence, the clinical significance of this variant remains unclear.

Labcorp Genetics (formerly Invitae), Labcorp
Classification: Uncertain significance for Neurofibromatosis, type 1. Last evaluated: 2025-05-02. Review status: criteria provided, single submitter. Criteria: Invitae Variant Classification Sherloc (09022015). Collection method: clinical testing. Allele origin: germline.
Comment: This sequence change replaces valine, which is neutral and non-polar, with leucine, which is neutral and non-polar, at codon 432 of the NF1 protein (p.Val432Leu). This variant is not present in population databases (gnomAD no frequency). This variant has not been reported in the literature in individuals affected with NF1-related conditions. Invitae Evidence Modeling of protein sequence and biophysical properties (such as structural, functional, and spatial information, amino acid conservation, physicochemical variation, residue mobility, and thermodynamic stability) indicates that this missense variant is not expected to disrupt NF1 protein function with a negative predictive value of 95%. In summary, the available evidence is currently insufficient to determine the role of this variant in disease. Therefore, it has been classified as a Variant of Uncertain Significance.

NM_001042492.3(NF1):c.1294G>C (p.Val432Leu)

Gene: NF1 (neurofibromin 1; plus strand). Cytogenetic location: 17q11.2.
Variant type: single nucleotide variant.
Coding change: c.1294G>C on transcript NM_001042492.3 (MANE Select); coding-DNA position 1294, G replaced by C.
Protein change: p.Val432Leu; replaces valine 432 with leucine.
Molecular consequence: missense variant.
Genome position (GRCh38, 1-based): chr17:31,206,273, G>C. VCF-style: chr17-31206273-G-C. GRCh37 (hg19) VCF-style: chr17-29533291-G-C.
Other names: c.1294G>C, p.Val432Leu (NM_000267.4, NM_001128147.3); short protein forms V432L.
Identifiers: ClinVar variation 4800719 (VCV004800719.2).